The following is an entry in ClinVar:

ClinVar aggregate classification (germline): Benign. Review status: criteria provided, multiple submitters, no conflicts (2 of 4 stars). 2 submissions from 2 submitters: Benign (2). Last evaluated 2018-01-13.

Conditions:
Interstitial lung disease due to ABCA3 deficiency. Also called: PULMONARY ALVEOLAR PROTEINOSIS, CONGENITAL, 3. Identifiers: Orphanet 440402, MedGen C1970456, MONDO:0012582, OMIM 610921.

Allele frequency attached by ClinVar (database versions not stated): 1000 Genomes Project 0.09345; gnomAD 0.10530 and 0.10570; 1000 Genomes Project 30x 0.09619; TOPMed 0.10101.

Submissions (2):

Illumina Laboratory Services, Illumina
Classification: Benign for Interstitial lung disease due to ABCA3 deficiency. Last evaluated: 2018-01-13. Review status: criteria provided, single submitter. Criteria: ICSL Variant Classification Criteria 13 December 2019. Collection method: clinical testing. Allele origin: germline.
Comment: This variant was observed in the ICSL laboratory as part of a predisposition screen in an ostensibly healthy population. It had not been previously curated by ICSL or reported in the Human Gene Mutation Database (HGMD: prior to June 1st, 2018), and was therefore a candidate for classification through an automated scoring system. Utilizing variant allele frequency, disease prevalence and penetrance estimates, and inheritance mode, an automated score was calculated to assess if this variant is too frequent to cause the disease. Based on the score and internal cut-off values, a variant classified as benign is not then subjected to further curation. The score for this variant resulted in a classification of benign for this disease.

Breakthrough Genomics
Classification: Benign. Review status: criteria provided, single submitter. Criteria: ACMG Guidelines, 2015. Collection method: not provided. Allele origin: germline. Inheritance: Autosomal recessive inheritance. Affected: yes.

NM_001089.2(ABCA3):c.-711C>G

Genes: ABCA3 (ATP binding cassette subfamily A member 3; minus strand), LOC130058230 (ATAC-STARR-seq lymphoblastoid silent region 7042; plus strand). Cytogenetic location: 16p13.3.
Variant type: single nucleotide variant.
Coding change: c.-711C>G on transcript NM_001089.2; 711 bases upstream of the start codon, C replaced by G.
Genome position (GRCh38, 1-based): chr16:2,340,745, G>C on the plus strand (C>G on the coding strand, the complement: ABCA3 is on the minus strand). VCF-style: chr16-2340745-G-C. GRCh37 (hg19) VCF-style: chr16-2390746-G-C.
Identifiers: ClinVar variation 318606 (VCV000318606.8), dbSNP rs45583636, ClinGen allele CA10643245.
Genomic context (GRCh38, chr16:2,340,745, plus strand): 5'-GCGTGGCCGCCCTGGAGGGGAGGGTGCGCCTGCAACCCGCTACTGGCGGACGCAGCGGCC[G>C]CTCCGGCTCCTGCAGGGGGCGCCGCGGATGGCGCGTGCGCAGTCGGCCGCCCCTGCAGGT-3'